The following is an entry in ClinVar:

NM_007294.4(BRCA1):c.2706A>C (p.Glu902Asp)

Gene: BRCA1 (BRCA1 DNA repair associated; minus strand). Cytogenetic location: 17q21.31.
Variant type: single nucleotide variant.
Coding change: c.2706A>C on transcript NM_007294.4 (MANE Select); coding-DNA position 2706, A replaced by C.
Protein change: p.Glu902Asp; replaces glutamic acid 902 with aspartic acid.
Molecular consequence: missense variant. On other transcripts: intron variant (137).
Genome position (GRCh38, 1-based): chr17:43,092,825, T>G on the plus strand (A>C on the coding strand, the complement: BRCA1 is on the minus strand). VCF-style: chr17-43092825-T-G. GRCh37 (hg19) VCF-style: chr17-41244842-T-G.
Other names: 2825A>C; c.2493A>C, p.Glu831Asp (NM_001407571.1, NM_001407853.1, NM_001407894.1 and 9 more transcripts); c.2706A>C, p.Glu902Asp (NM_001407581.1, NM_001407582.1, NM_001407583.1 and 30 more transcripts); c.2703A>C, p.Glu901Asp (NM_001407587.1, NM_001407590.1, NM_001407591.1 and 22 more transcripts); c.2697A>C, p.Glu899Asp (NM_001407646.1, NM_001407647.1); c.2625A>C, p.Glu875Asp (NM_001407659.1, NM_001407660.1, NM_001407661.1 and 1 more transcripts); c.2628A>C, p.Glu876Asp (NM_001407663.1, NM_001407653.1, NM_001407654.1 and 4 more transcripts); c.2583A>C, p.Glu861Asp (NM_001407664.1, NM_001407665.1, NM_001407666.1 and 19 more transcripts); and 42 more; short protein forms E902D, E855D, E606D, E775D, E835D, E901D, E834D, E876D.
Identifiers: ClinVar variation 91597 (VCV000091597.24), dbSNP rs398122665, ClinGen allele CA001781.

ClinVar aggregate classification (germline): Conflicting classifications of pathogenicity. Review status: criteria provided, conflicting classifications (1 of 4 stars). 6 submissions from 6 submitters: Uncertain significance (3); Likely benign (2). 1 of the submissions does not count toward it. Last evaluated 2026-02-01.

Conditions:
Hereditary cancer-predisposing syndrome. Also called: Hereditary Cancer Syndrome; Hereditary neoplastic syndrome; Neoplastic Syndromes, Hereditary; Tumor predisposition. Identifiers: Orphanet 140162, MedGen C0027672, MeSH D009386, MONDO:0015356.
Breast-ovarian cancer, familial, susceptibility to, 1 (BROVCA1). Also called: BRCA1 Hereditary Breast and Ovarian Cancer; OVARIAN CANCER, SUSCEPTIBILITY TO. Identifiers: Orphanet 145, MedGen C2676676, MONDO:0011450, OMIM 604370. Disease mechanism: loss of function.
Hereditary breast ovarian cancer syndrome. Also called: BRCA1- and BRCA2-Associated Hereditary Breast and Ovarian Cancer; Hereditary breast and ovarian cancer syndrome; Hereditary breast and ovarian cancer syndrome (HBOC); Breast and ovarian cancer; Hereditary breast and/or ovarian cancer syndrome; Hereditary breast and ovarian cancer. Identifiers: Orphanet 145, MedGen C0677776, MeSH D061325, MONDO:0003582. Disease mechanism: loss of function.

Allele frequency attached by ClinVar (database versions not stated): gnomAD exomes 0.00001.
gnomAD v4.1: 12 of 1,614,024 alleles (0.00074%); highest among the groups gnomAD compares: South Asian, 0.013%; no homozygotes.

Submissions (6):

Labcorp Genetics (formerly Invitae), Labcorp
Classification: Uncertain significance for Hereditary breast ovarian cancer syndrome. Last evaluated: 2026-02-01. Review status: criteria provided, single submitter. Criteria: Invitae Variant Classification Sherloc (09022015). Collection method: clinical testing. Allele origin: germline.
Comment: This sequence change replaces glutamic acid, which is acidic and polar, with aspartic acid, which is acidic and polar, at codon 902 of the BRCA1 protein (p.Glu902Asp). This variant is present in population databases (rs398122665, gnomAD 0.01%). This variant has not been reported in the literature in individuals affected with BRCA1-related conditions. ClinVar contains an entry for this variant (Variation ID: 91597). Invitae Evidence Modeling of protein sequence and biophysical properties (such as structural, functional, and spatial information, amino acid conservation, physicochemical variation, residue mobility, and thermodynamic stability) indicates that this missense variant is not expected to disrupt BRCA1 protein function with a negative predictive value of 80%. In summary, the available evidence is currently insufficient to determine the role of this variant in disease. Therefore, it has been classified as a Variant of Uncertain Significance.

Color Diagnostics, LLC DBA Color Health
Classification: Likely benign for Hereditary cancer-predisposing syndrome. Last evaluated: 2025-03-04. Review status: criteria provided, single submitter. Criteria: ACMG Guidelines, 2015. Collection method: clinical testing. Allele origin: germline.

Women's Health and Genetics/Laboratory Corporation of America, LabCorp
Classification: Uncertain significance. Last evaluated: 2024-06-10. Review status: criteria provided, single submitter. Criteria: LabCorp Variant Classification Summary - May 2015. Collection method: clinical testing. Allele origin: germline.
Comment: Variant summary: BRCA1 c.2706A>C (p.Glu902Asp) results in a conservative amino acid change in the encoded protein sequence. Five of five in-silico tools predict a benign effect of the variant on protein function. The variant allele was found at a frequency of 1.2e-05 in 250872 control chromosomes. The available data on variant occurrences in the general population are insufficient to allow any conclusion about variant significance. To our knowledge, no occurrence of c.2706A>C in individuals affected with Hereditary Breast And Ovarian Cancer Syndrome and no experimental evidence demonstrating its impact on protein function have been reported. ClinVar contains an entry for this variant (Variation ID: 91597). Based on the evidence outlined above, the variant was classified as uncertain significance.

Ambry Genetics
Classification: Uncertain significance for Hereditary cancer-predisposing syndrome. Last evaluated: 2024-02-26. Review status: criteria provided, single submitter. Criteria: Ambry Variant Classification Scheme 2023. Collection method: clinical testing. Allele origin: germline.
Comment: The p.E902D variant (also known as c.2706A>C), located in coding exon 9 of the BRCA1 gene, results from an A to C substitution at nucleotide position 2706. The glutamic acid at codon 902 is replaced by aspartic acid, an amino acid with highly similar properties. This amino acid position is not well conserved in available vertebrate species. In addition, this alteration is predicted to be tolerated by in silico analysis. Since supporting evidence is limited at this time, the clinical significance of this alteration remains unclear.

University of Washington Department of Laboratory Medicine, University of Washington
Classification: Likely benign for Hereditary cancer-predisposing syndrome. Last evaluated: 2023-03-23. Review status: criteria provided, single submitter. Criteria: Dines et al. (Genet Med. 2020). Collection method: curation. Allele origin: germline.
Comment: Missense variant in a coldspot region where missense variants are very unlikely to be pathogenic (PMID:31911673).

BRCA1 coldspot (exon 11 using historical exon numbering). Reclassification based on statistical prior probability

Sharing Clinical Reports Project (SCRP)
Classification: Uncertain significance for Breast-ovarian cancer, familial 1. Last evaluated: 2008-04-28. Review status: no assertion criteria provided. Collection method: clinical testing. Allele origin: germline. Not counted in ClinVar's aggregate classification.